The following is an entry in ClinVar:

NM_005989.4(AKR1D1):c.*507G>A

Gene: AKR1D1 (aldo-keto reductase family 1 member D1; plus strand). Cytogenetic location: 7q33.
Variant type: single nucleotide variant.
Coding change: c.*507G>A on transcript NM_005989.4 (MANE Select); 507 bases downstream of the stop codon, G replaced by A.
Molecular consequence: 3 prime UTR variant.
Genome position (GRCh38, 1-based): chr7:138,117,169, G>A. VCF-style: chr7-138117169-G-A. GRCh37 (hg19) VCF-style: chr7-137801915-G-A.
Other names: c.*507G>A (NM_001190906.2); c.*532G>A (NM_001190907.2).
Identifiers: ClinVar variation 358965 (VCV000358965.6), dbSNP rs7780066, ClinGen allele CA10625296.
Genomic context (GRCh38, chr7:138,117,169, plus strand): 5'-ATAAGATCCACACACACATTATTAACAAGGAAGTGATTTGCTGCACCTTGAGTTGAGAGG[G>A]CTACATGTAGAAAAGTCTTAAAATAGAGCTAAACACCACAGTGGTCAACAAAGCCATCAT-3'

ClinVar aggregate classification (germline): Benign. Review status: criteria provided, multiple submitters, no conflicts (2 of 4 stars). 2 submissions from 2 submitters: Benign (2). Last evaluated 2018-01-13.

Conditions:
Congenital bile acid synthesis defect 2 (CBAS2). Also called: CHOLESTASIS WITH DELTA(4)-3-OXOSTEROID 5-BETA-REDUCTASE DEFICIENCY. Identifiers: Orphanet 79303, MedGen C1856127, MONDO:0009339, OMIM 235555.

Allele frequency attached by ClinVar (database versions not stated): gnomAD exomes 0.76043; 1000 Genomes Project 0.77895; 1000 Genomes Project 30x 0.77951; TOPMed 0.79104; gnomAD 0.80073 and 0.80479.
gnomAD v4.1: 124,089 of 155,082 alleles (80%); highest among the groups gnomAD compares: African/African-American, 87%; 49,940 homozygotes.

Submissions (2):

Illumina Laboratory Services, Illumina
Classification: Benign for Congenital bile acid synthesis defect 2. Last evaluated: 2018-01-13. Review status: criteria provided, single submitter. Criteria: ICSL Variant Classification Criteria 13 December 2019. Collection method: clinical testing. Allele origin: germline.
Comment: This variant was observed in the ICSL laboratory as part of a predisposition screen in an ostensibly healthy population. It had not been previously curated by ICSL or reported in the Human Gene Mutation Database (HGMD: prior to June 1st, 2018), and was therefore a candidate for classification through an automated scoring system. Utilizing variant allele frequency, disease prevalence and penetrance estimates, and inheritance mode, an automated score was calculated to assess if this variant is too frequent to cause the disease. Based on the score and internal cut-off values, a variant classified as benign is not then subjected to further curation. The score for this variant resulted in a classification of benign for this disease.

Breakthrough Genomics
Classification: Benign. Review status: criteria provided, single submitter. Criteria: ACMG Guidelines, 2015. Collection method: not provided. Allele origin: germline. Inheritance: Autosomal recessive inheritance. Affected: yes.